The following is an entry in ClinVar:

NM_005120.3(MED12):c.908G>A (p.Arg303Gln)

Gene: MED12 (mediator complex subunit 12; plus strand). Cytogenetic location: Xq13.1.
Variant type: single nucleotide variant.
Coding change: c.908G>A on transcript NM_005120.3 (MANE Select); coding-DNA position 908, G replaced by A.
Protein change: p.Arg303Gln; replaces arginine 303 with glutamine.
Molecular consequence: missense variant.
Genome position (GRCh38, 1-based): chrX:71,121,623, G>A. VCF-style: chrX-71121623-G-A. GRCh37 (hg19) VCF-style: chrX-70341473-G-A.
Other names: c.908G>A (NM_005120.2); short protein forms R303Q.
Identifiers: ClinVar variation 2822793 (VCV002822793.4), dbSNP rs1157525906, ClinGen allele CA413504570.

ClinVar aggregate classification (germline): Uncertain significance. Review status: criteria provided, multiple submitters, no conflicts (2 of 4 stars). 2 submissions from 2 submitters: Uncertain significance (2). Last evaluated 2023-05-18.

Conditions:
FG syndrome (FGS). Identifiers: MedGen C0220769, MONDO:0002010.

Allele frequency attached by ClinVar (database versions not stated): gnomAD exomes below 0.00001; gnomAD 0.00001.
gnomAD v4.1: 2 of 1,209,802 alleles (0.00017%); highest among the groups gnomAD compares: Non-Finnish European, 0.00011%; no homozygotes.

Submissions (2):

GeneDx
Classification: Uncertain significance. Last evaluated: 2023-05-18. Review status: criteria provided, single submitter. Criteria: GeneDx Variant Classification Process June 2021. Collection method: clinical testing. Allele origin: germline. Affected: yes.
Comment: Not observed at significant frequency in large population cohorts (gnomAD); In silico analysis supports that this missense variant does not alter protein structure/function, but splice predictors indicate that the variant may impact gene splicing. In the absence of RNA/functional studies, the actual effect of this sequence change is unknown.; Has not been previously published as pathogenic or benign to our knowledge

Labcorp Genetics (formerly Invitae), Labcorp
Classification: Uncertain significance for FG syndrome. Last evaluated: 2022-12-21. Review status: criteria provided, single submitter. Criteria: Invitae Variant Classification Sherloc (09022015). Collection method: clinical testing. Allele origin: germline.
Comment: In summary, the available evidence is currently insufficient to determine the role of this variant in disease. Therefore, it has been classified as a Variant of Uncertain Significance. Algorithms developed to predict the effect of sequence changes on RNA splicing suggest that this variant may create or strengthen a splice site. Advanced modeling of protein sequence and biophysical properties (such as structural, functional, and spatial information, amino acid conservation, physicochemical variation, residue mobility, and thermodynamic stability) has been performed at Invitae for this missense variant, however the output from this modeling did not meet the statistical confidence thresholds required to predict the impact of this variant on MED12 protein function. This variant has not been reported in the literature in individuals affected with MED12-related conditions. This variant is present in population databases (no rsID available, gnomAD 0.04%). This sequence change replaces arginine, which is basic and polar, with glutamine, which is neutral and polar, at codon 303 of the MED12 protein (p.Arg303Gln).